The following is an entry in ClinVar:

ClinVar aggregate classification (germline): Uncertain significance. Review status: criteria provided, multiple submitters, no conflicts (2 of 4 stars). 3 submissions from 3 submitters: Uncertain significance (3). Last evaluated 2026-06-18.

Conditions:
Inborn genetic diseases. Identifiers: MedGen C0950123, MeSH D030342.

gnomAD v4.1: 18 of 1,613,766 alleles (0.0011%); highest among the groups gnomAD compares: South Asian, 0.0099%; no homozygotes.

Submissions (3):

Women's Health and Genetics/Laboratory Corporation of America, LabCorp
Classification: Uncertain significance. Last evaluated: 2026-06-18. Review status: criteria provided, single submitter. Criteria: LabCorp Variant Classification Summary - May 2015. Collection method: clinical testing. Allele origin: germline.
Comment: Variant summary: CACNA1D c.6050A>G (p.Tyr2017Cys) results in a non-conservative amino acid change in the encoded protein sequence. Algorithms developed to predict the effect of missense changes on protein structure and function are either unavailable or do not agree on the potential impact of this missense change. The variant allele was found at a frequency of 1.2e-05 in 251196 control chromosomes. The available data on variant occurrences in the general population are insufficient to allow any conclusion about variant significance. To our knowledge, no occurrence of c.6050A>G in individuals affected with CACNA1D-related conditions and no experimental evidence demonstrating its impact on protein function have been reported. ClinVar contains an entry for this variant (Variation ID: 3709341). Based on the evidence outlined above, the variant was classified as uncertain significance.

Ambry Genetics
Classification: Uncertain significance for Inborn genetic diseases. Last evaluated: 2025-08-31. Review status: criteria provided, single submitter. Criteria: Ambry Variant Classification Scheme 2023. Collection method: clinical testing. Allele origin: germline.

Labcorp Genetics (formerly Invitae), Labcorp
Classification: Uncertain significance. Last evaluated: 2025-06-08. Review status: criteria provided, single submitter. Criteria: Invitae Variant Classification Sherloc (09022015). Collection method: clinical testing. Allele origin: germline.
Comment: This sequence change replaces tyrosine, which is neutral and polar, with cysteine, which is neutral and slightly polar, at codon 2017 of the CACNA1D protein (p.Tyr2017Cys). This variant is present in population databases (no rsID available, gnomAD 0.006%). This variant has not been reported in the literature in individuals affected with CACNA1D-related conditions. ClinVar contains an entry for this variant (Variation ID: 3709341). An algorithm developed to predict the effect of missense changes on protein structure and function (PolyPhen-2) suggests that this variant is likely to be disruptive. In summary, the available evidence is currently insufficient to determine the role of this variant in disease. Therefore, it has been classified as a Variant of Uncertain Significance.

NM_001128840.3(CACNA1D):c.5990A>G (p.Tyr1997Cys)

Gene: CACNA1D (calcium voltage-gated channel subunit alpha1 D; plus strand). Cytogenetic location: 3p21.1.
Variant type: single nucleotide variant.
Coding change: c.5990A>G on transcript NM_001128840.3 (MANE Select); coding-DNA position 5990, A replaced by G.
Protein change: p.Tyr1997Cys; replaces tyrosine 1997 with cysteine.
Molecular consequence: missense variant.
Genome position (GRCh38, 1-based): chr3:53,810,096, A>G. VCF-style: chr3-53810096-A-G. GRCh37 (hg19) VCF-style: chr3-53844123-A-G.
Other names: c.6050A>G, p.Tyr2017Cys (NM_000720.4); c.5918A>G, p.Tyr1973Cys (NM_001128839.3); c.6050A>G (NM_000720.2); short protein forms Y1973C, Y1997C, Y2017C.
Identifiers: ClinVar variation 3709341 (VCV003709341.4).
Genomic context (GRCh38, chr3:53,810,096, plus strand): 5'-CGACCCGGTCGTGGGCCACCCCTCCAGCAACCCCTCCCTACCGGGACTGGACACCGTGCT[A>G]CACCCCCCTGATCCAAGTGGAGCAGTCAGAGGCCCTGGACCAGGTGAACGGCAGCCTGCC-3'
Protein context (NP_001122312.1, residues 1987-2007): TPPYRDWTPC[Tyr1997Cys]TPLIQVEQSE